The following is an entry in ClinVar:

ClinVar aggregate classification (germline): Uncertain significance (1 of 4 stars; one submission).

Conditions:
Long QT syndrome (LQTS). Identifiers: MedGen C0023976, MeSH D008133, MONDO:0002442. Disease mechanism: loss of function. Inheritance: Various modes of inheritance.

Submission:

Labcorp Genetics (formerly Invitae), Labcorp
Classification: Uncertain significance for Long QT syndrome. Last evaluated: 2022-03-20. Review status: criteria provided, single submitter. Criteria: Invitae Variant Classification Sherloc (09022015). Collection method: clinical testing. Allele origin: germline.
Comment: In summary, the available evidence is currently insufficient to determine the role of this variant in disease. Therefore, it has been classified as a Variant of Uncertain Significance. Experimental studies and prediction algorithms are not available or were not evaluated, and the functional significance of this variant is currently unknown. This variant has not been reported in the literature in individuals affected with AKAP9-related conditions. This variant is a gross deletion of the genomic region encompassing exon(s) 2-3 of the AKAP9 gene. This variant would be expected to be in-frame, preserving the integrity of the reading frame.

NC_000007.13:g.(?_91603005)_(91609667_?)del

Gene: AKAP9 (A-kinase anchoring protein 9; plus strand). Cytogenetic location: 7q21.2.
Variant type: Deletion.
Identifiers: ClinVar variation 2425413 (VCV002425413.4).